The following is an entry in ClinVar:

NM_000038.6(APC):c.8234C>G (p.Pro2745Arg)

Gene: APC (APC regulator of Wnt signaling pathway; plus strand). Cytogenetic location: 5q22.2.
Variant type: single nucleotide variant.
Coding change: c.8234C>G on transcript NM_000038.6 (MANE Select); coding-DNA position 8234, C replaced by G.
Protein change: p.Pro2745Arg; replaces proline 2745 with arginine.
Molecular consequence: missense variant.
Genome position (GRCh38, 1-based): chr5:112,843,828, C>G. VCF-style: chr5-112843828-C-G. GRCh37 (hg19) VCF-style: chr5-112179525-C-G.
Other names: c.8234C>G, p.Pro2745Arg (NM_001127510.3, NM_001354895.2); c.8180C>G, p.Pro2727Arg (NM_001127511.3); c.8288C>G, p.Pro2763Arg (NM_001354896.2); c.8264C>G, p.Pro2755Arg (NM_001354897.2); c.8159C>G, p.Pro2720Arg (NM_001354898.2); c.8150C>G, p.Pro2717Arg (NM_001354899.2); c.8111C>G, p.Pro2704Arg (NM_001354900.2); c.8057C>G, p.Pro2686Arg (NM_001354901.2); and 5 more; short protein forms P2462R, P2585R, P2619R, P2644R, P2654R, P2686R, P2704R, P2717R.
Identifiers: ClinVar variation 1008177 (VCV001008177.11), dbSNP rs759421641, ClinGen allele CA16039206.

ClinVar aggregate classification (germline): Uncertain significance. Review status: criteria provided, multiple submitters, no conflicts (2 of 4 stars). 2 submissions from 2 submitters: Uncertain significance (2). Last evaluated 2024-07-21.

Conditions:
Familial adenomatous polyposis 1 (FAP1). Also called: FAMILIAL ADENOMATOUS POLYPOSIS 1, ATTENUATED; POLYPOSIS, ADENOMATOUS INTESTINAL. Identifiers: MedGen C2713442, MONDO:0021056, OMIM 175100. Disease mechanism: loss of function.

Submissions (2):

Labcorp Genetics (formerly Invitae), Labcorp
Classification: Uncertain significance for Familial adenomatous polyposis 1. Last evaluated: 2024-07-21. Review status: criteria provided, single submitter. Criteria: Invitae Variant Classification Sherloc (09022015). Collection method: clinical testing. Allele origin: germline.
Comment: This sequence change replaces proline, which is neutral and non-polar, with arginine, which is basic and polar, at codon 2745 of the APC protein (p.Pro2745Arg). This variant is not present in population databases (gnomAD no frequency). This variant has not been reported in the literature in individuals affected with APC-related conditions. ClinVar contains an entry for this variant (Variation ID: 1008177). Advanced modeling of protein sequence and biophysical properties (such as structural, functional, and spatial information, amino acid conservation, physicochemical variation, residue mobility, and thermodynamic stability) performed at Invitae indicates that this missense variant is not expected to disrupt APC protein function with a negative predictive value of 95%. In summary, the available evidence is currently insufficient to determine the role of this variant in disease. Therefore, it has been classified as a Variant of Uncertain Significance.

Clinical Genetics Laboratory, Skane University Hospital Lund
Classification: Uncertain significance. Last evaluated: 2022-05-27. Review status: criteria provided, single submitter. Criteria: ACMG Guidelines, 2015. Collection method: clinical testing. Allele origin: germline. Affected: yes.